The following is an entry in ClinVar:

ClinVar aggregate classification (germline): Conflicting classifications of pathogenicity. Review status: criteria provided, conflicting classifications (1 of 4 stars). 6 submissions from 6 submitters: Uncertain significance (4); Likely benign (2). Last evaluated 2026-08-06.

Conditions:
AXIN2-related disorder.
Hereditary cancer-predisposing syndrome. Also called: Hereditary Cancer Syndrome; Tumor predisposition; Hereditary neoplastic syndrome; Neoplastic Syndromes, Hereditary. Identifiers: Orphanet 140162, MedGen C0027672, MeSH D009386, MONDO:0015356.
Colorectal cancer. Also called: Colorectal cancer, somatic; Malignant Colorectal Neoplasm. Identifiers: MedGen C0346629, MONDO:0005575, OMIM 114500.
Oligodontia-cancer predisposition syndrome. Also called: TOOTH AGENESIS-COLORECTAL CANCER SYNDROME. Identifiers: Orphanet 300576, MedGen C1837750, MONDO:0012075, OMIM 608615. Disease mechanism: loss of function.

Allele frequency attached by ClinVar (database versions not stated): gnomAD exomes 0.00006 and 0.00003; TOPMed 0.00002; ExAC 0.00004.
gnomAD v4.1: 94 of 1,603,018 alleles (0.0059%); highest among the groups gnomAD compares: Non-Finnish European, 0.0071%; no homozygotes.

Submissions (6):

PreventionGenetics, part of Exact Sciences
Classification: Uncertain significance for AXIN2-related condition. Last evaluated: 2026-08-06. Review status: criteria provided, single submitter. Criteria: ACMG Guidelines, 2015. Collection method: clinical testing. Allele origin: germline.
Comment: The AXIN2 c.1714G>A variant is predicted to result in the amino acid substitution p.Gly572Ser. To our knowledge, this variant has not been reported in the literature in individuals affected with AXIN2-related conditions. This variant is reported in 0.013% of alleles in individuals of European (Finnish) descent in gnomAD and has conflicting interpretations in ClinVar ranging from likely benign to uncertain (Variation ID: 420377). At this time, the clinical significance of this variant is uncertain due to the absence of conclusive functional and genetic evidence.

Labcorp Genetics (formerly Invitae), Labcorp
Classification: Uncertain significance for Oligodontia-cancer predisposition syndrome. Last evaluated: 2026-01-08. Review status: criteria provided, single submitter. Criteria: Invitae Variant Classification Sherloc (09022015). Collection method: clinical testing. Allele origin: germline.
Comment: This sequence change replaces glycine, which is neutral and non-polar, with serine, which is neutral and polar, at codon 572 of the AXIN2 protein (p.Gly572Ser). This variant is present in population databases (rs753824435, gnomAD 0.01%). This variant has not been reported in the literature in individuals affected with AXIN2-related conditions. ClinVar contains an entry for this variant (Variation ID: 420377). An algorithm developed to predict the effect of missense changes on protein structure and function outputs the following: PolyPhen-2: "Benign". The serine amino acid residue is found in multiple mammalian species, which suggests that this missense change does not adversely affect protein function. RNA analysis performed to evaluate the impact of this missense change on mRNA splicing indicates it does not significantly alter splicing (internal data). In summary, the available evidence is currently insufficient to determine the role of this variant in disease. Therefore, it has been classified as a Variant of Uncertain Significance.

GeneDx
Classification: Uncertain significance. Last evaluated: 2024-11-05. Review status: criteria provided, single submitter. Criteria: GeneDx Variant Classification Process June 2021. Collection method: clinical testing. Allele origin: germline. Affected: yes.
Comment: In silico analysis indicates that this missense variant does not alter protein structure/function; In silico analysis suggests this variant may impact gene splicing. In the absence of RNA/functional studies, the actual effect of this sequence change is unknown.; Not observed in any cases, but was observed in unaffected controls from a melanoma study (PMID: 29641532); This variant is associated with the following publications: (PMID: 26928463, 28108514, 28481359, 29641532)

Baylor Genetics
Classification: Uncertain significance for Colorectal cancer. Last evaluated: 2023-10-16. Review status: criteria provided, single submitter. Criteria: ACMG Guidelines, 2015. Collection method: clinical testing. Allele origin: unknown.

Ambry Genetics
Classification: Likely benign for Hereditary cancer-predisposing syndrome. Last evaluated: 2023-06-15. Review status: criteria provided, single submitter. Criteria: Ambry Variant Classification Scheme 2023. Collection method: clinical testing. Allele origin: germline.

Sema4
Classification: Likely benign for Hereditary cancer-predisposing syndrome. Last evaluated: 2022-03-15. Review status: criteria provided, single submitter. Criteria: Sema4 Curation Guidelines. Collection method: curation. Allele origin: germline.

Literature cited by the submitters: PubMed 29641532 (cited by Ambry Genetics).

NM_004655.4(AXIN2):c.1714G>A (p.Gly572Ser)

Gene: AXIN2 (axin 2; minus strand). Cytogenetic location: 17q24.1.
Variant type: single nucleotide variant.
Coding change: c.1714G>A on transcript NM_004655.4 (MANE Select); coding-DNA position 1714, G replaced by A.
Protein change: p.Gly572Ser; replaces glycine 572 with serine.
Molecular consequence: missense variant. On other transcripts: intron variant (1).
Genome position (GRCh38, 1-based): chr17:65,537,062, C>T on the plus strand (G>A on the coding strand, the complement: AXIN2 is on the minus strand). VCF-style: chr17-65537062-C-T. GRCh37 (hg19) VCF-style: chr17-63533180-C-T.
Other names: c.1714G>A (LRG_296t1); c.1712+262G>A (NM_001363813.1); short protein forms G572S.
Identifiers: ClinVar variation 420377 (VCV000420377.20), dbSNP rs753824435, ClinGen allele CA8718545.